The following is an entry in ClinVar:

NM_001243925.2(MAPKAPK3):c.1036_1038delinsCAA (p.Tyr346Gln)

Gene: MAPKAPK3 (MAPK activated protein kinase 3; plus strand). Cytogenetic location: 3p21.2.
Variant type: Indel.
Coding change: c.1036_1038delinsCAA on transcript NM_001243925.2 (MANE Select); coding-DNA positions 1036 to 1038, TAC replaced by CAA.
Protein change: p.Tyr346Gln; replaces tyrosine 346 with glutamine.
Molecular consequence: missense variant.
Genome position (GRCh38, 1-based): chr3:50,647,933-50,647,935, TAC replaced by CAA. VCF-style: chr3-50647933-TAC-CAA. GRCh37 (hg19) VCF-style: chr3-50685364-TAC-CAA.
Other names: c.1036_1038delinsCAA, p.Tyr346Gln (NM_001243926.2, NM_004635.5); short protein forms Y346Q.
Identifiers: ClinVar variation 966284 (VCV000966284.6), dbSNP rs2033344630, ClinGen allele CA1139658093.

ClinVar aggregate classification (germline): Uncertain significance (1 of 4 stars; one submission).

Submission:

Labcorp Genetics (formerly Invitae), Labcorp
Classification: Uncertain significance. Last evaluated: 2023-03-27. Review status: criteria provided, single submitter. Criteria: Invitae Variant Classification Sherloc (09022015). Collection method: clinical testing. Allele origin: germline.
Comment: In summary, the available evidence is currently insufficient to determine the role of this variant in disease. Therefore, it has been classified as a Variant of Uncertain Significance. Experimental studies and prediction algorithms are not available or were not evaluated, and the functional significance of this variant is currently unknown. This variant has not been reported in the literature in individuals affected with MAPKAPK3-related conditions. Information on the frequency of this variant in the gnomAD database is not available, as this variant may be reported differently in the database. This sequence change replaces tyrosine, which is neutral and polar, with glutamine, which is neutral and polar, at codon 346 of the MAPKAPK3 protein (p.Tyr346Gln).